The following is an entry in ClinVar:

NM_004656.4(BAP1):c.1611C>T (p.Ser537=)

Gene: BAP1 (BRCA1 associated deubiquitinase 1; minus strand). Cytogenetic location: 3p21.1.
Variant type: single nucleotide variant.
Coding change: c.1611C>T on transcript NM_004656.4 (MANE Select); coding-DNA position 1611, C replaced by T.
Protein change: p.Ser537=; no amino-acid change (serine 537 retained).
Molecular consequence: synonymous variant.
Genome position (GRCh38, 1-based): chr3:52,403,534, G>A on the plus strand (C>T on the coding strand, the complement: BAP1 is on the minus strand). VCF-style: chr3-52403534-G-A. GRCh37 (hg19) VCF-style: chr3-52437550-G-A.
Other names: c.1611C>T (LRG_529t1).
Identifiers: ClinVar variation 485257 (VCV000485257.46), dbSNP rs773108662, ClinGen allele CA2436770.

ClinVar aggregate classification (germline): Benign/Likely benign. Review status: criteria provided, multiple submitters, no conflicts (2 of 4 stars). 7 submissions from 7 submitters: Benign (1); Likely benign (6). Last evaluated 2025-10-29.

Conditions:
Hereditary cancer-predisposing syndrome. Also called: Hereditary neoplastic syndrome; Neoplastic Syndromes, Hereditary; Hereditary Cancer Syndrome; Tumor predisposition. Identifiers: Orphanet 140162, MedGen C0027672, MeSH D009386, MONDO:0015356.
BAP1-related tumor predisposition syndrome (TPDS1). Also called: BAP1 tumor predisposition syndrome; COMMON Syndrome; TUMOR PREDISPOSITION SYNDROME 1; Tumor susceptibility linked to germline BAP1 mutations. Identifiers: Orphanet 289539, MedGen C3280492, MONDO:0013692, OMIM 614327.

Allele frequency attached by ClinVar (database versions not stated): ExAC 0.00001; gnomAD exomes 0.00001 and 0.00002; TOPMed 0.00002.

Submissions (7):

Labcorp Genetics (formerly Invitae), Labcorp
Classification: Likely benign for BAP1-related tumor predisposition syndrome. Last evaluated: 2025-10-29. Review status: criteria provided, single submitter. Criteria: Invitae Variant Classification Sherloc (09022015). Collection method: clinical testing. Allele origin: germline.

Myriad Genetics, Inc.
Classification: Benign for BAP1-related tumor predisposition syndrome. Last evaluated: 2024-07-16. Review status: criteria provided, single submitter. Criteria: Myriad Autosomal Dominant, Autosomal Recessive and X-Linked Classification Criteria (2023). Collection method: clinical testing. Allele origin: unknown.
Comment: This variant is considered benign. This variant is a silent/synonymous amino acid change and it is not expected to impact splicing.

CeGaT Center for Human Genetics Tuebingen
Classification: Likely benign. Last evaluated: 2022-06-01. Review status: criteria provided, single submitter. Criteria: CeGaT Center For Human Genetics Tuebingen Variant Classification Criteria Version 2. Collection method: clinical testing. Allele origin: germline. Affected: yes. Observed: 1 variant allele.
Comment: BAP1: BP4, BP7

Sema4
Classification: Likely benign for Hereditary cancer-predisposing syndrome. Last evaluated: 2021-12-10. Review status: criteria provided, single submitter. Criteria: Sema4 Curation Guidelines. Collection method: curation. Allele origin: germline.

GeneDx
Classification: Likely benign. Last evaluated: 2019-09-13. Review status: criteria provided, single submitter. Criteria: GeneDx Variant Classification Process June 2021. Collection method: clinical testing. Allele origin: germline. Affected: yes.

Color Diagnostics, LLC DBA Color Health
Classification: Likely benign for Hereditary cancer-predisposing syndrome. Last evaluated: 2017-02-28. Review status: criteria provided, single submitter. Criteria: ACMG Guidelines, 2015. Collection method: clinical testing. Allele origin: germline.

Ambry Genetics
Classification: Likely benign for Hereditary cancer-predisposing syndrome. Last evaluated: 2016-04-14. Review status: criteria provided, single submitter. Criteria: Ambry Variant Classification Scheme 2023. Collection method: clinical testing. Allele origin: germline.